The following is an entry in ClinVar:

NM_006421.5(ARFGEF1):c.1869G>C (p.Met623Ile)

Gene: ARFGEF1 (ARF guanine nucleotide exchange factor 1; minus strand). Cytogenetic location: 8q13.2.
Variant type: single nucleotide variant.
Coding change: c.1869G>C on transcript NM_006421.5 (MANE Select); coding-DNA position 1869, G replaced by C.
Protein change: p.Met623Ile; replaces methionine 623 with isoleucine.
Molecular consequence: missense variant. On other transcripts: non-coding transcript variant (1).
Genome position (GRCh38, 1-based): chr8:67,266,928, C>G on the plus strand (G>C on the coding strand, the complement: ARFGEF1 is on the minus strand). VCF-style: chr8-67266928-C-G. GRCh37 (hg19) VCF-style: chr8-68179163-C-G.
Other names: c.1869G>C, p.Met623Ile (NM_001413184.1, NM_001413185.1, NM_001413186.1 and 7 more transcripts); c.1269G>C, p.Met423Ile (NM_001413188.1, NM_001413193.1, NM_001413197.1); c.444G>C, p.Met148Ile (NM_001413196.1); short protein forms M148I, M423I, M623I.
Identifiers: ClinVar variation 3777479 (VCV003777479.1).
Genomic context (GRCh38, chr8:67,266,928, plus strand): 5'-CACCTTACCAAGAGTTGTCTGGGAGTTGGGATTCACATACTGATCCTTACTCCATTCAAC[C>G]ATACACTTCAAAATCGACACTAAGCATTCTAAACCTTTTTTCCTCAGGCTCAATTCCTAC-3'
Protein context (NP_006412.2, residues 613-633): LECLVSILKC[Met623Ile]VEWSKDQYVN

ClinVar aggregate classification (germline): Uncertain significance (1 of 4 stars; one submission).

Submission:

GeneDx
Classification: Uncertain significance. Last evaluated: 2024-10-07. Review status: criteria provided, single submitter. Criteria: GeneDx Variant Classification Process June 2021. Collection method: clinical testing. Allele origin: germline. Affected: yes.
Comment: Not observed at significant frequency in large population cohorts (gnomAD); In silico analysis supports that this missense variant has a deleterious effect on protein structure/function; Has not been previously published as pathogenic or benign to our knowledge